The following is an entry in ClinVar:

ClinVar aggregate classification (germline): Uncertain significance. Review status: criteria provided, multiple submitters, no conflicts (2 of 4 stars). 3 submissions from 3 submitters: Uncertain significance (3). Last evaluated 2024-10-09.

Conditions:
Ehlers-Danlos syndrome, spondylodysplastic type, 3. Also called: Ehlers-Danlos syndrome, spondylocheirodysplastic type. Identifiers: Orphanet 157965, MedGen C2676510, MONDO:0012873, OMIM 612350.

Allele frequency attached by ClinVar (database versions not stated): gnomAD exomes below 0.00001 and 0.00002; gnomAD 0.00001; TOPMed 0.00001.
gnomAD v4.1: 29 of 1,611,498 alleles (0.0018%); highest among the groups gnomAD compares: Non-Finnish European, 0.0024%; no homozygotes.

Submissions (3):

Blueprint Genetics
Classification: Uncertain significance. Last evaluated: 2024-10-09. Review status: criteria provided, single submitter. Criteria: ACMG Guidelines, 2015. Collection method: clinical testing. Allele origin: germline.

Labcorp Genetics (formerly Invitae), Labcorp
Classification: Uncertain significance for Ehlers-Danlos syndrome, spondylodysplastic type, 3. Last evaluated: 2022-04-23. Review status: criteria provided, single submitter. Criteria: Invitae Variant Classification Sherloc (09022015). Collection method: clinical testing. Allele origin: germline.
Comment: This sequence change replaces aspartic acid, which is acidic and polar, with histidine, which is basic and polar, at codon 275 of the SLC39A13 protein (p.Asp275His). This variant is present in population databases (no rsID available, gnomAD 0.0009%). This variant has not been reported in the literature in individuals affected with SLC39A13-related conditions. ClinVar contains an entry for this variant (Variation ID: 452289). Algorithms developed to predict the effect of missense changes on protein structure and function are either unavailable or do not agree on the potential impact of this missense change (SIFT: "Tolerated"; PolyPhen-2: "Probably Damaging"; Align-GVGD: "Class C0"). In summary, the available evidence is currently insufficient to determine the role of this variant in disease. Therefore, it has been classified as a Variant of Uncertain Significance.

GeneDx
Classification: Uncertain significance. Last evaluated: 2017-10-06. Review status: criteria provided, single submitter. Criteria: GeneDx Variant Classification (06012015). Collection method: clinical testing. Allele origin: germline. Affected: yes.
Comment: A variant of uncertain significance has been identified in the SLC39A13 gene. The D275H variant has not been published as pathogenic or been reported as benign to our knowledge. This variant is not observed at a significant frequency in large population cohorts (Lek et al., 2016). The D275H variant is a non-conservative amino acid substitution, which is likely to impact secondary protein structure as these residues differ in polarity, charge, size and/or other properties. This substitution occurs at a position that is conserved across species, and in silico analysis predicts this variant is probably damaging to the protein structure/function. However, no missense variants in nearby residues have been reported in the Human Gene Mutation Database in association with spondylocheirodysplastic Ehlers-Danlos syndrome (Stenson et al., 2014).

NM_001128225.3(SLC39A13):c.823G>C (p.Asp275His)

Gene: SLC39A13 (solute carrier family 39 member 13; plus strand). Cytogenetic location: 11p11.2.
Variant type: single nucleotide variant.
Coding change: c.823G>C on transcript NM_001128225.3 (MANE Select); coding-DNA position 823, G replaced by C.
Protein change: p.Asp275His; replaces aspartic acid 275 with histidine.
Molecular consequence: missense variant. On other transcripts: non-coding transcript variant (1).
Genome position (GRCh38, 1-based): chr11:47,414,813, G>C. VCF-style: chr11-47414813-G-C. GRCh37 (hg19) VCF-style: chr11-47436364-G-C.
Other names: c.823G>C, p.Asp275His (NM_001330245.2, NM_152264.5); short protein forms D275H.
Identifiers: ClinVar variation 452289 (VCV000452289.5), dbSNP rs1484874346, ClinGen allele CA380314187.